The following is an entry in ClinVar:

NM_001046.3(SLC12A2):c.745G>A (p.Glu249Lys)

Gene: SLC12A2 (solute carrier family 12 member 2; plus strand). Cytogenetic location: 5q23.3.
Variant type: single nucleotide variant.
Coding change: c.745G>A on transcript NM_001046.3 (MANE Select); coding-DNA position 745, G replaced by A.
Protein change: p.Glu249Lys; replaces glutamic acid 249 with lysine.
Molecular consequence: missense variant. On other transcripts: non-coding transcript variant (1).
Genome position (GRCh38, 1-based): chr5:128,084,699, G>A. VCF-style: chr5-128084699-G-A. GRCh37 (hg19) VCF-style: chr5-127420391-G-A.
Other names: c.745G>A, p.Glu249Lys (NM_001256461.2); short protein forms E249K.
Identifiers: ClinVar variation 3022171 (VCV003022171.3), dbSNP rs769192155, ClinGen allele CA3392878.

ClinVar aggregate classification (germline): Uncertain significance (1 of 4 stars; one submission).

Allele frequency attached by ClinVar (database versions not stated): gnomAD 0.00001; ExAC 0.00002.
gnomAD v4.1: 29 of 1,598,142 alleles (0.0018%); highest among the groups gnomAD compares: Middle Eastern, 0.017%; no homozygotes.

Submission:

Labcorp Genetics (formerly Invitae), Labcorp
Classification: Uncertain significance. Last evaluated: 2022-12-24. Review status: criteria provided, single submitter. Criteria: Invitae Variant Classification Sherloc (09022015). Collection method: clinical testing. Allele origin: germline.
Comment: In summary, the available evidence is currently insufficient to determine the role of this variant in disease. Therefore, it has been classified as a Variant of Uncertain Significance. Advanced modeling of protein sequence and biophysical properties (such as structural, functional, and spatial information, amino acid conservation, physicochemical variation, residue mobility, and thermodynamic stability) performed at Invitae indicates that this missense variant is not expected to disrupt SLC12A2 protein function. This variant has not been reported in the literature in individuals affected with SLC12A2-related conditions. This variant is present in population databases (rs769192155, gnomAD 0.007%). This sequence change replaces glutamic acid, which is acidic and polar, with lysine, which is basic and polar, at codon 249 of the SLC12A2 protein (p.Glu249Lys).